The following is an entry in ClinVar:

NM_002470.4(MYH3):c.4180C>G (p.Leu1394Val)

Gene: MYH3 (myosin heavy chain 3; minus strand). Cytogenetic location: 17p13.1.
Variant type: single nucleotide variant.
Coding change: c.4180C>G on transcript NM_002470.4 (MANE Select); coding-DNA position 4180, C replaced by G.
Protein change: p.Leu1394Val; replaces leucine 1394 with valine.
Molecular consequence: missense variant.
Genome position (GRCh38, 1-based): chr17:10,635,016, G>C on the plus strand (C>G on the coding strand, the complement: MYH3 is on the minus strand). VCF-style: chr17-10635016-G-C. GRCh37 (hg19) VCF-style: chr17-10538333-G-C.
Other names: short protein forms L1394V.
Identifiers: ClinVar variation 3297445 (VCV003297445.2).
Genomic context (GRCh38, chr17:10,635,016, plus strand): 5'-AAGCACATTTAGCATTCACTGCCTCAACCTGTTCCTCGGAATCTTGAAGGCGCTGAGCAA[G>C]TTTTTTCCTTAAAGAATATGAAAGAGAAGCAGCTGTTATTTCAGTTTCCATCCACTTGAA-3'
Protein context (NP_002461.2, residues 1384-1404): TEELEEAKKK[Leu1394Val]AQRLQDSEEQ

ClinVar aggregate classification (germline): Uncertain significance. Review status: criteria provided, multiple submitters, no conflicts (2 of 4 stars). 2 submissions from 2 submitters: Uncertain significance (2). Last evaluated 2025-04-07.

Conditions:
Inborn genetic diseases. Identifiers: MedGen C0950123, MeSH D030342.

gnomAD v4.1: 17 of 1,613,914 alleles (0.0011%); highest among the groups gnomAD compares: Non-Finnish European, 0.0014%; no homozygotes.

Submissions (2):

Labcorp Genetics (formerly Invitae), Labcorp
Classification: Uncertain significance. Last evaluated: 2025-04-07. Review status: criteria provided, single submitter. Criteria: Invitae Variant Classification Sherloc (09022015). Collection method: clinical testing. Allele origin: germline.
Comment: This sequence change replaces leucine, which is neutral and non-polar, with valine, which is neutral and non-polar, at codon 1394 of the MYH3 protein (p.Leu1394Val). This variant is present in population databases (rs746354516, gnomAD 0.007%). This variant has not been reported in the literature in individuals affected with MYH3-related conditions. ClinVar contains an entry for this variant (Variation ID: 3297445). Invitae Evidence Modeling of protein sequence and biophysical properties (such as structural, functional, and spatial information, amino acid conservation, physicochemical variation, residue mobility, and thermodynamic stability) indicates that this missense variant is not expected to disrupt MYH3 protein function with a negative predictive value of 95%. In summary, the available evidence is currently insufficient to determine the role of this variant in disease. Therefore, it has been classified as a Variant of Uncertain Significance.

Ambry Genetics
Classification: Uncertain significance for Inborn genetic diseases. Last evaluated: 2024-05-28. Review status: criteria provided, single submitter. Criteria: Ambry Variant Classification Scheme 2023. Collection method: clinical testing. Allele origin: germline.